The following is an entry in ClinVar:

ClinVar aggregate classification (germline): Benign. Review status: criteria provided, multiple submitters, no conflicts (2 of 4 stars). 3 submissions from 3 submitters: Benign (2). 1 of the submissions does not count toward it. Last evaluated 2025-06-22.

Conditions:
Rubinstein-Taybi syndrome due to EP300 haploinsufficiency. Also called: RUBINSTEIN-TAYBI SYNDROME 2; EP300-Related Rubinstein-Taybi Syndrome. Identifiers: Orphanet 353284, Orphanet 783, MedGen C3150941, MONDO:0013364, OMIM 613684.
EP300-related disorder. Also called: EP300-related disorders; EP300-related condition.

Allele frequency attached by ClinVar (database versions not stated): gnomAD exomes 0.00006 and 0.00012; ExAC 0.00012; ESP Exome Variant Server 0.00038; gnomAD 0.00039 and 0.00045; 1000 Genomes Project 0.00040; TOPMed 0.00046; 1000 Genomes Project 30x 0.00047.
gnomAD v4.1: 153 of 1,613,246 alleles (0.0095%); highest among the groups gnomAD compares: African/African-American, 0.17%; no homozygotes.

Submissions (3):

Labcorp Genetics (formerly Invitae), Labcorp
Classification: Benign for Rubinstein-Taybi syndrome due to EP300 haploinsufficiency. Last evaluated: 2025-06-22. Review status: criteria provided, single submitter. Criteria: Invitae Variant Classification Sherloc (09022015). Collection method: clinical testing. Allele origin: germline.

GeneDx
Classification: Benign. Last evaluated: 2020-03-31. Review status: criteria provided, single submitter. Criteria: GeneDx Variant Classification Process June 2021. Collection method: clinical testing. Allele origin: germline. Affected: yes.

PreventionGenetics, part of Exact Sciences
Classification: Likely benign for EP300-related condition. Last evaluated: 2021-05-19. Review status: no assertion criteria provided. Collection method: clinical testing. Allele origin: germline. Not counted in ClinVar's aggregate classification.
Comment: This variant is classified as likely benign based on ACMG/AMP sequence variant interpretation guidelines (Richards et al. 2015 PMID: 25741868, with internal and published modifications).

NM_001429.4(EP300):c.2568A>G (p.Ala856=)

Gene: EP300 (EP300 lysine acetyltransferase; plus strand). Cytogenetic location: 22q13.2.
Variant type: single nucleotide variant.
Coding change: c.2568A>G on transcript NM_001429.4 (MANE Select); coding-DNA position 2568, A replaced by G.
Protein change: p.Ala856=; no amino-acid change (alanine 856 retained).
Molecular consequence: synonymous variant.
Genome position (GRCh38, 1-based): chr22:41,149,949, A>G. VCF-style: chr22-41149949-A-G. GRCh37 (hg19) VCF-style: chr22-41545953-A-G.
Other names: c.2490A>G, p.Ala830= (NM_001362843.2).
Identifiers: ClinVar variation 717771 (VCV000717771.15), dbSNP rs145037345, ClinGen allele CA10252899.